The following is an entry in ClinVar:

ClinVar aggregate classification (germline): Pathogenic (1 of 4 stars; one submission).

Conditions:
Familial focal epilepsy with variable foci (FPEVF). Identifiers: Orphanet 98820, MedGen C1858477, MONDO:0020310.

Submission:

Labcorp Genetics (formerly Invitae), Labcorp
Classification: Pathogenic for Familial focal epilepsy with variable foci. Last evaluated: 2025-06-29. Review status: criteria provided, single submitter. Criteria: Invitae Variant Classification Sherloc (09022015). Collection method: clinical testing. Allele origin: germline.
Comment: This sequence change affects a donor splice site in intron 30 of the DEPDC5 gene. It is expected to disrupt RNA splicing. Variants that disrupt the donor or acceptor splice site typically lead to a loss of protein function (PMID: 16199547), and loss-of-function variants in DEPDC5 are known to be pathogenic (PMID: 23542697, 23542701). This variant is not present in population databases (gnomAD no frequency). Disruption of this splice site has been observed in individuals with autosomal dominant DEPDC5-related conditions (PMID: 30093711; internal data). Algorithms developed to predict the effect of sequence changes on RNA splicing suggest that this variant may disrupt the consensus splice site. For these reasons, this variant has been classified as Pathogenic.

Literature cited by the submitters: PubMed 16199547; PubMed 23542697; PubMed 23542701; PubMed 30093711.

NM_001242896.3(DEPDC5):c.3021+1G>T

Gene: DEPDC5 (DEP domain containing 5, GATOR1 subcomplex subunit; plus strand). Cytogenetic location: 22q12.3.
Variant type: single nucleotide variant.
Coding change: c.3021+1G>T on transcript NM_001242896.3 (MANE Select); the canonical splice donor site of the intron after coding-DNA position 3021, G replaced by T.
Molecular consequence: splice donor variant.
Genome position (GRCh38, 1-based): chr22:31,845,238, G>T. VCF-style: chr22-31845238-G-T. GRCh37 (hg19) VCF-style: chr22-32241224-G-T.
Other names: c.3021+1G>T (NM_001364318.2, NM_001363852.2, NM_001364320.2); c.2994+1G>T (NM_001136029.4, NM_014662.6, NM_001369903.1); c.2787+1G>T (NM_001363854.2, NM_001242897.2, NM_001364319.2); c.2937+1G>T (NM_001369902.1, NM_001369901.1).
Identifiers: ClinVar variation 4799142 (VCV004799142.1).
Genomic context (GRCh38, chr22:31,845,238, plus strand): 5'-CGCTTTGTGGAGGGCTTGAATCGCATTCGCAGGCGGCATCGCTCGGATCGCATGATGCGG[G>T]TAAGGGCTCCTTAGACTCAGGGAGTGCGCCTGGTGTGAGATGCAGGGCCTGCCACCTCCT-3'